The following is an entry in ClinVar:

NM_003482.4(KMT2D):c.12680T>A (p.Met4227Lys)

Gene: KMT2D (lysine methyltransferase 2D; minus strand). Cytogenetic location: 12q13.12.
Variant type: single nucleotide variant.
Coding change: c.12680T>A on transcript NM_003482.4 (MANE Select); coding-DNA position 12680, T replaced by A.
Protein change: p.Met4227Lys; replaces methionine 4227 with lysine.
Molecular consequence: missense variant.
Genome position (GRCh38, 1-based): chr12:49,032,025, A>T on the plus strand (T>A on the coding strand, the complement: KMT2D is on the minus strand). VCF-style: chr12-49032025-A-T. GRCh37 (hg19) VCF-style: chr12-49425808-A-T.
Other names: short protein forms M4227K.
Identifiers: ClinVar variation 2846682 (VCV002846682.3), dbSNP rs781095456, ClinGen allele CA384709877.

ClinVar aggregate classification (germline): Uncertain significance (1 of 4 stars; one submission).

Conditions:
Kabuki syndrome. Also called: NIIKAWA-KUROKI SYNDROME; Kabuki make-up syndrome. Identifiers: Orphanet 2322, MedGen C0796004, MONDO:0016512.

gnomAD v4.1: 1 of 1,611,406 alleles (0.000062%); no homozygotes.

Submission:

Labcorp Genetics (formerly Invitae), Labcorp
Classification: Uncertain significance for Kabuki syndrome. Last evaluated: 2024-01-14. Review status: criteria provided, single submitter. Criteria: Invitae Variant Classification Sherloc (09022015). Collection method: clinical testing. Allele origin: germline.
Comment: This sequence change replaces methionine, which is neutral and non-polar, with lysine, which is basic and polar, at codon 4227 of the KMT2D protein (p.Met4227Lys). This variant is not present in population databases (gnomAD no frequency). This variant has not been reported in the literature in individuals affected with KMT2D-related conditions. Advanced modeling of protein sequence and biophysical properties (such as structural, functional, and spatial information, amino acid conservation, physicochemical variation, residue mobility, and thermodynamic stability) performed at Invitae indicates that this missense variant is not expected to disrupt KMT2D protein function with a negative predictive value of 95%. In summary, the available evidence is currently insufficient to determine the role of this variant in disease. Therefore, it has been classified as a Variant of Uncertain Significance.